The following is an entry in ClinVar:

ClinVar aggregate classification (germline): Likely pathogenic. Review status: reviewed by expert panel (3 of 4 stars). 16 submissions from 16 submitters: Likely pathogenic (1). 15 of the submissions do not count toward it. Last evaluated 2024-10-16.

Conditions:
Rare genetic deafness. Identifiers: Orphanet 96210, MedGen C5680250.
SLC26A4-related disorder. Also called: SLC26A4-related condition; SLC26A4-related disorders.
Autosomal recessive nonsyndromic hearing loss 4 (DFNB4). Also called: Nonsyndromic enlarged vestibular aqueduct (NSEVA); Deafness, autosomal recessive 4; Enlarged vestibular aqueduct, digenic; Deafness, autosomal recessive 4, with enlarged vestibular aqueduct; NEUROSENSORY NONSYNDROMIC RECESSIVE DEAFNESS 4; FOXI1-Related Pendred Syndrome. Identifiers: Orphanet 90636, MedGen C3538946, MONDO:0010933, OMIM 600791.
Pendred syndrome (PDS). Also called: DEAFNESS WITH GOITER; GOITER-DEAFNESS SYNDROME; HYPOTHYROIDISM, CONGENITAL, DUE TO DYSHORMONOGENESIS, 2B; Pendred's syndrome; Pendred Syndrome (PDS); THYROID DYSHORMONOGENESIS 2B. Identifiers: Orphanet 705, MedGen C0271829, MONDO:0010134, OMIM 274600.

Allele frequency attached by ClinVar (database versions not stated): gnomAD 0.00003 and 0.00004; TOPMed 0.00003; gnomAD exomes 0.00005 and 0.00009; ExAC 0.00011; 1000 Genomes Project 30x 0.00016; 1000 Genomes Project 0.00020.
gnomAD v4.1: 81 of 1,613,978 alleles (0.005%); highest among the groups gnomAD compares: Middle Eastern, 0.016%; no homozygotes.

Submissions 1 to 10 of 16:

ClinGen Hearing Loss Variant Curation Expert Panel
Classification: Likely pathogenic for Pendred syndrome. Last evaluated: 2024-10-16. Review status: reviewed by expert panel. Criteria: Clingen Hl Acmg Specifications Cdh23 Coch Gjb2 Kcnq4 Myo6 Myo7a Slc26a4 Tecta Ush2a V2. Collection method: curation. Allele origin: germline. Inheritance: Autosomal recessive inheritance.
Comment: The c.554G>A variant in SLC26A4 is a missense variant predicted to cause substitution of arginine by threonine at amino acid 185 (p.Arg185Thr). The variant was present in 0.0165% (1/6062) of Middle Eastern alleles, which is the highest population minor allele frequency in gnomAD v4.1.0, and PM2_Supporting was applied at the recommendation of the expert panel. This variant has been identified in one individual with unilateral hearing loss and enlarged vestibular aqueduct with a second likely pathogenic variant in trans, as well as in three probands without a second variant identified but whose phenotypes were consistent with Pendred syndrome (PM3, PP4; PMID: 24051746, 20597900, 22285650, 34680964). The variant was also observed in one proband with limited phenotype information and no second variant identified (PMID: 31387071). Additionally, it was observed in one proband with hearing loss, enlarged vestibular aqueduct, and Mondini malformation who was compound heterozygous with a second pathogenic variant with phase unknown (PMID: 34599368). The variant was also seen in an infant with mild congenital bilateral sensorineural hearing loss who also had two pathogenic OTOG variants in trans (Invitae internal data ClinVar SCV002243689.3). Functional evidence demonstrates that the p.Arg185Thr variant may impact protein function (PS3_Supporting, PMID: 22285650, 24051746). The REVEL computational prediction tool produced a score of 0.876, which is above the threshold necessary to apply PP3. In summary, this variant meets criteria to be classified as likely pathogenic for autosomal recessive Pendred syndrome based on the ACMG/AMP criteria applied as specified by the Hearing Loss Expert Panel: PM2_Supporting, PM3, PS3_Supporting, PP3, PP4. (ClinGen Hearing Loss VCEP specifications version 2; 10/16/2024)

Labcorp Genetics (formerly Invitae), Labcorp
Classification: Pathogenic. Last evaluated: 2026-01-28. Review status: criteria provided, single submitter. Criteria: Invitae Variant Classification Sherloc (09022015). Collection method: clinical testing. Allele origin: germline. Not counted in ClinVar's aggregate classification.
Comment: This sequence change replaces arginine, which is basic and polar, with threonine, which is neutral and polar, at codon 185 of the SLC26A4 protein (p.Arg185Thr). This variant is present in population databases (rs542620119, gnomAD 0.01%). This missense change has been observed in individual(s) with clinical features of Pendred syndrome (PMID: 20597900, 22285650, 24051746, 31387071, 34599368). In at least one individual the data is consistent with being in trans (on the opposite chromosome) from a pathogenic variant. ClinVar contains an entry for this variant (Variation ID: 188878). Invitae Evidence Modeling of protein sequence and biophysical properties (such as structural, functional, and spatial information, amino acid conservation, physicochemical variation, residue mobility, and thermodynamic stability) indicates that this missense variant is expected to disrupt SLC26A4 protein function with a positive predictive value of 95%. Experimental studies have shown that this missense change affects SLC26A4 function (PMID: 22285650, 24051746). For these reasons, this variant has been classified as Pathogenic.

Natera, Inc.
Classification: Likely pathogenic for Pendred syndrome. Last evaluated: 2026-01-26. Review status: criteria provided, single submitter. Criteria: Natera Variant Classification Schema (03/2026). Collection method: clinical testing. Allele origin: germline. Not counted in ClinVar's aggregate classification.
Comment: The c.554G>C variant in SLC26A4 is a missense variant predicted to cause substitution of arginine to threonine at amino acid 185. This variant is rare in the general population with a frequency below the threshold expected for the associated phenotype(s). This variant has been observed in one or more individuals affected with the associated recessive disease, as either homozygous or compound heterozygous with a second variant (PMID: 40121402, 24051746, 34599368). Functional studies show that this variant may disrupt protein function (PMID: 24051746, 22285650). Computational prediction algorithms indicate this variant is likely to affect gene or protein function. Given the available evidence, this variant is classified as Likely Pathogenic.

CeGaT Center for Human Genetics Tuebingen
Classification: Likely pathogenic. Last evaluated: 2025-11-01. Review status: criteria provided, single submitter. Criteria: CeGaT Center For Human Genetics Tuebingen Variant Classification Criteria Version 2. Collection method: clinical testing. Allele origin: germline. Affected: yes. Observed: 1 variant allele. Not counted in ClinVar's aggregate classification.
Comment: SLC26A4: PM3:Strong, PM2, PS3:Supporting

Blueprint Genetics
Classification: Likely pathogenic for SLC26A4-related disorders. Last evaluated: 2024-10-24. Review status: criteria provided, single submitter. Criteria: ACMG Guidelines, 2015. Collection method: clinical testing. Allele origin: germline. Affected: yes. Observed: 5 variant alleles. Not counted in ClinVar's aggregate classification.

SIB Swiss Institute of Bioinformatics
Classification: Likely pathogenic for Autosomal recessive nonsyndromic hearing loss 4. Last evaluated: 2024-05-15. Review status: criteria provided, single submitter. Criteria: ACMG Guidelines, 2015. Collection method: curation. Allele origin: unknown. Inheritance: Autosomal recessive inheritance. Not counted in ClinVar's aggregate classification.
Comment: This variant is interpreted as likely pathogenic for DFNB4. The following ACMG Tag(s) were applied: PM2_Supporting; PM3 (PMID: 24051746); PP3_moderate; PS3_Supporting (PMID: 22285650; 24051746).

Fulgent Genetics
Classification: Likely pathogenic for Pendred syndrome; Autosomal recessive nonsyndromic hearing loss 4. Last evaluated: 2024-04-03. Review status: criteria provided, single submitter. Criteria: ACMG Guidelines, 2015. Collection method: clinical testing. Allele origin: germline. Not counted in ClinVar's aggregate classification.

Baylor Genetics
Classification: Likely pathogenic for Autosomal recessive nonsyndromic hearing loss 4. Last evaluated: 2024-03-14. Review status: criteria provided, single submitter. Criteria: ACMG Guidelines, 2015. Collection method: clinical testing. Allele origin: unknown. Not counted in ClinVar's aggregate classification.

Revvity Omics, Revvity
Classification: Likely pathogenic. Last evaluated: 2023-05-23. Review status: criteria provided, single submitter. Criteria: ACMG Guidelines, 2015. Collection method: clinical testing. Allele origin: germline. Not counted in ClinVar's aggregate classification.

Clinical Genomics Laboratory, Stanford Medicine
Classification: Likely pathogenic for Pendred syndrome; Autosomal recessive nonsyndromic hearing loss 4. Last evaluated: 2023-05-15. Review status: criteria provided, single submitter. Criteria: ACMG Guidelines, 2015. Collection method: clinical testing. Allele origin: paternal. Inheritance: Autosomal recessive inheritance. Observed: 2 variant alleles, 2 heterozygotes. Clinical features observed: Transposition of the great vessels, Wolf-Parkinson-White syndrome, right-sided profound hearing loss, left moderate to severe hearing loss. Not counted in ClinVar's aggregate classification.
Comment: The p.Arg185Thr variant in the SLC26A4 gene has been previously reported in the compound heterozygous state at least 2 unrelated individuals with hearing loss and/or enlarged vestibular aqueduct (PMID: 24051746; PMID: 34599368). This variant has also been reported in the heterozygous state in multiple individuals with Pendred syndrome (PMID: 20597900; PMID: 22285650; PMID: 31387071; PMID: 34680964). This variant has been identified in 19/129,168 European non-Finnish chromosomes (24/282,860 chromosomes overall) by the Genome Aggregation Database. Although this variant has been seen in the general population, its frequency is low enough to be consistent with a recessive carrier frequency. This variant is present in ClinVar (Accession: VCV000188878.29). Functional studies of the p.Arg185Thr variant have demonstrated a deleterious impact on protein function (PMID: 22285650; PMID: 24051746). The arginine at position 185 is evolutionarily conserved. Computational tools predict that the p.Arg185Thr variant is deleterious; however, the accuracy of in silico algorithms is limited. These data were assessed using the ACMG/AMP variant interpretation guidelines. In summary, there is sufficient evidence to classify the p.Arg185Thr variant as likely pathogenic for autosomal recessive Pendred syndrome and nonsyndromic hearing loss with enlarged vestibular aqueduct based on the information above. [ACMG evidence codes used: PM3; PS3_Moderate; PM2_Supporting; PP3]

NM_000441.2(SLC26A4):c.554G>C (p.Arg185Thr)

Gene: SLC26A4 (solute carrier family 26 member 4; plus strand). Cytogenetic location: 7q22.3.
Variant type: single nucleotide variant.
Coding change: c.554G>C on transcript NM_000441.2 (MANE Select); coding-DNA position 554, G replaced by C.
Protein change: p.Arg185Thr; replaces arginine 185 with threonine.
Molecular consequence: missense variant.
Genome position (GRCh38, 1-based): chr7:107,674,302, G>C. VCF-style: chr7-107674302-G-C. GRCh37 (hg19) VCF-style: chr7-107314747-G-C.
Other names: NM_000441.1(SLC26A4):c.554G>C(p.Arg185Thr); short protein forms R185T.
Identifiers: ClinVar variation 188878 (VCV000188878.35), dbSNP rs542620119, ClinGen allele CA274070.